The following is an entry in ClinVar:

ClinVar aggregate classification (germline): Uncertain significance (1 of 4 stars; one submission).

Conditions:
Hereditary cancer-predisposing syndrome. Also called: Neoplastic Syndromes, Hereditary; Tumor predisposition; Hereditary Cancer Syndrome; Hereditary neoplastic syndrome. Identifiers: Orphanet 140162, MedGen C0027672, MeSH D009386, MONDO:0015356.

gnomAD v4.1: 1 of 1,614,230 alleles (0.000062%); highest among the groups gnomAD compares: Non-Finnish European, 0.000085%; no homozygotes.

Submission:

Ambry Genetics
Classification: Uncertain significance for Hereditary cancer-predisposing syndrome. Last evaluated: 2025-12-07. Review status: criteria provided, single submitter. Criteria: Ambry Variant Classification Scheme 2023. Collection method: clinical testing. Allele origin: germline.
Comment: The p.E647D variant (also known as c.1941G>C), located in coding exon 15 of the BAP1 gene, results from a G to C substitution at nucleotide position 1941. The glutamic acid at codon 647 is replaced by aspartic acid, an amino acid with highly similar properties. This amino acid position is conserved. In addition, the in silico prediction for this alteration is inconclusive. Based on the available evidence, the clinical significance of this variant remains unclear.

NM_004656.4(BAP1):c.1941G>C (p.Glu647Asp)

Gene: BAP1 (BRCA1 associated deubiquitinase 1; minus strand). Cytogenetic location: 3p21.1.
Variant type: single nucleotide variant.
Coding change: c.1941G>C on transcript NM_004656.4 (MANE Select); coding-DNA position 1941, G replaced by C.
Protein change: p.Glu647Asp; replaces glutamic acid 647 with aspartic acid.
Molecular consequence: missense variant.
Genome position (GRCh38, 1-based): chr3:52,402,821, C>G on the plus strand (G>C on the coding strand, the complement: BAP1 is on the minus strand). VCF-style: chr3-52402821-C-G. GRCh37 (hg19) VCF-style: chr3-52436837-C-G.
Other names: c.1887G>C, p.Glu629Asp (NM_001410772.1); short protein forms E629D, E647D.
Identifiers: ClinVar variation 4620860 (VCV004620860.1).